The following is an entry in ClinVar:

NM_001378609.3(OTOGL):c.3737G>T (p.Ser1246Ile)

Gene: OTOGL (otogelin like; plus strand). Cytogenetic location: 12q21.31.
Variant type: single nucleotide variant.
Coding change: c.3737G>T on transcript NM_001378609.3 (MANE Select); coding-DNA position 3737, G replaced by T.
Protein change: p.Ser1246Ile; replaces serine 1246 with isoleucine.
Molecular consequence: missense variant.
Genome position (GRCh38, 1-based): chr12:80,318,648, G>T. VCF-style: chr12-80318648-G-T. GRCh37 (hg19) VCF-style: chr12-80712428-G-T.
Other names: c.3602G>T, p.Ser1201Ile (NM_001368062.3); c.3737G>T, p.Ser1246Ile (NM_001378610.3, NM_173591.7); short protein forms S1201I, S1246I.
Identifiers: ClinVar variation 4129288 (VCV004129288.3).

ClinVar aggregate classification (germline): Uncertain significance. Review status: criteria provided, multiple submitters, no conflicts (2 of 4 stars). 3 submissions from 3 submitters: Uncertain significance (3). Last evaluated 2025-08-28.

Conditions:
Inborn genetic diseases. Identifiers: MedGen C0950123, MeSH D030342.

gnomAD v4.1: 99 of 1,466,666 alleles (0.0068%); highest among the groups gnomAD compares: Non-Finnish European, 0.0088%; no homozygotes.

Submissions (3):

Ambry Genetics
Classification: Uncertain significance for Inborn genetic diseases. Last evaluated: 2025-08-28. Review status: criteria provided, single submitter. Criteria: Ambry Variant Classification Scheme 2023. Collection method: clinical testing. Allele origin: germline.

GeneDx
Classification: Uncertain significance. Last evaluated: 2025-05-01. Review status: criteria provided, single submitter. Criteria: GeneDx Variant Classification Process June 2021. Collection method: clinical testing. Allele origin: germline. Affected: yes.
Comment: Not observed at significant frequency in large population cohorts (gnomAD); In silico analysis supports that this missense variant has a deleterious effect on protein structure/function; Has not been previously published as pathogenic or benign to our knowledge

Blueprint Genetics
Classification: Uncertain significance. Last evaluated: 2020-03-25. Review status: criteria provided, single submitter. Criteria: ACMG Guidelines, 2015. Collection method: clinical testing. Allele origin: germline.